The following is an entry in ClinVar:

ClinVar aggregate classification (germline): Conflicting classifications of pathogenicity. Review status: criteria provided, conflicting classifications (1 of 4 stars). 3 submissions from 3 submitters: Uncertain significance (2); Likely benign (1). Last evaluated 2026-08-11.

Conditions:
CACNA1D-related disorder.

Submissions (3):

PreventionGenetics, part of Exact Sciences
Classification: Uncertain significance for CACNA1D-related condition. Last evaluated: 2026-08-11. Review status: criteria provided, single submitter. Criteria: ACMG Guidelines, 2015. Collection method: clinical testing. Allele origin: germline.
Comment: The CACNA1D c.5085_5087delAGA variant is predicted to result in an in-frame deletion (p.Glu1695del). This variant has been reported in individuals with autism spectrum disorder and schizophrenia as well as healthy controls (Wang et al. 2022. PubMed ID: 35220405). This variant is reported in 0.14% of alleles in individuals of East Asian descent in gnomAD. Although we suspect that this variant may be benign, at this time, the clinical significance of this variant is uncertain due to the absence of conclusive functional and genetic evidence.

Labcorp Genetics (formerly Invitae), Labcorp
Classification: Uncertain significance. Last evaluated: 2026-02-03. Review status: criteria provided, single submitter. Criteria: Invitae Variant Classification Sherloc (09022015). Collection method: clinical testing. Allele origin: germline.
Comment: This variant, c.5085_5087del, results in the deletion of 1 amino acid(s) of the CACNA1D protein (p.Glu1695del), but otherwise preserves the integrity of the reading frame. This variant is present in population databases (rs778776240, gnomAD 0.1%). This variant has not been reported in the literature in individuals affected with CACNA1D-related conditions. This variant is also known as p.E1675del. Experimental studies and prediction algorithms are not available or were not evaluated, and the functional significance of this variant is currently unknown. In summary, the available evidence is currently insufficient to determine the role of this variant in disease. Therefore, it has been classified as a Variant of Uncertain Significance.

GeneDx
Classification: Likely benign. Last evaluated: 2022-06-16. Review status: criteria provided, single submitter. Criteria: GeneDx Variant Classification Process June 2021. Collection method: clinical testing. Allele origin: germline. Affected: yes.
Comment: See Variant Classification Assertion Criteria.

NM_001128840.3(CACNA1D):c.5016AGA[3] (p.Glu1675del)

Gene: CACNA1D (calcium voltage-gated channel subunit alpha1 D; plus strand). Cytogenetic location: 3p21.1.
Variant type: Microsatellite.
Coding change: c.5016AGA[3] on transcript NM_001128840.3 (MANE Select); three copies in a row of the 3-base unit AGA starting at c.5016; the reference has four copies in a row; one copy, 3 bases deleted.
Protein change: p.Glu1675del; deletes glutamic acid 1675.
Molecular consequence: inframe deletion.
Genome position (GRCh38, 1-based): chr3:53,800,350-53,800,352, AGA deleted; deleting any 3 consecutive bases within chr3:53,800,341-53,800,352 gives the same sequence; the position shown is the placement nearest the transcript's 3' end. VCF-style (leftmost placement, unchanged base first): chr3-53800340-GAGA-G. GRCh37 (hg19) VCF-style: chr3-53834367-GAGA-G.
Other names: c.5085_5087delAGA (NM_000720.3); c.5076AGA[3], p.Glu1695del (NM_000720.4); c.4971AGA[3], p.Glu1660del (NM_001128839.3); short protein forms E1660del, E1675del, E1695del.
Identifiers: ClinVar variation 1364182 (VCV001364182.8), dbSNP rs778776240, ClinGen allele CA2455055.